The following is an entry in ClinVar:

NM_004304.5(ALK):c.2178G>A (p.Trp726Ter)

Gene: ALK (ALK receptor tyrosine kinase; minus strand). Cytogenetic location: 2p23.2.
Variant type: single nucleotide variant.
Coding change: c.2178G>A on transcript NM_004304.5 (MANE Select); coding-DNA position 2178, G replaced by A.
Protein change: p.Trp726Ter; replaces tryptophan 726 with a stop codon.
Molecular consequence: nonsense.
Genome position (GRCh38, 1-based): chr2:29,251,131, C>T on the plus strand (G>A on the coding strand, the complement: ALK is on the minus strand). VCF-style: chr2-29251131-C-T. GRCh37 (hg19) VCF-style: chr2-29473997-C-T.
Other names: short protein forms W726*.
Identifiers: ClinVar variation 2107722 (VCV002107722.4), dbSNP rs2148197272, ClinGen allele CA346476758.

ClinVar aggregate classification (germline): Uncertain significance (1 of 4 stars; one submission).

Conditions:
Neuroblastoma, susceptibility to, 3. Also called: ALK-Related Neuroblastic Tumor Susceptibility. Identifiers: Orphanet 635, MedGen C2751681, MONDO:0013083, OMIM 613014.

Submission:

Labcorp Genetics (formerly Invitae), Labcorp
Classification: Uncertain significance for Neuroblastoma, susceptibility to, 3. Last evaluated: 2024-03-06. Review status: criteria provided, single submitter. Criteria: Invitae Variant Classification Sherloc (09022015). Collection method: clinical testing. Allele origin: germline.
Comment: This sequence change creates a premature translational stop signal (p.Trp726*) in the ALK gene. It is expected to result in an absent or disrupted protein product. However, the current clinical and genetic evidence is not sufficient to establish whether loss-of-function variants in ALK cause disease. This variant is not present in population databases (gnomAD no frequency). This variant has not been reported in the literature in individuals affected with ALK-related conditions. ClinVar contains an entry for this variant (Variation ID: 2107722). In summary, the available evidence is currently insufficient to determine the role of this variant in disease. Therefore, it has been classified as a Variant of Uncertain Significance.